The following is an entry in ClinVar:

ClinVar aggregate classification (germline): Benign/Likely benign. Review status: criteria provided, multiple submitters, no conflicts (2 of 4 stars). 8 submissions from 8 submitters: Benign (7); Likely benign (1). Last evaluated 2026-02-02.

Conditions:
Atelosteogenesis type III. Also called: Atelosteogenesis Type 3 (FLNB-AO3). Identifiers: Orphanet 56305, MedGen C3668942, MONDO:0007168, OMIM 108721.
Atelosteogenesis type I. Also called: Atelosteogenesis Type 1 (FLNB-AO1); GIANT CELL CHONDRODYSPLASIA; SPONDYLOHUMEROFEMORAL HYPOPLASIA. Identifiers: Orphanet 1190, MedGen C0265283, MONDO:0007167, OMIM 108720.
Boomerang dysplasia. Identifiers: Orphanet 1263, MedGen C0432201, MONDO:0007208, OMIM 112310.
Spondylocarpotarsal synostosis syndrome (SCT). Also called: Spondylocarpotarsal Synostosis Syndrome (FLNB-SCT); VERTEBRAL FUSION WITH CARPAL COALITION; SPONDYLOCARPOTARSAL SYNDROME; Synspondylism congenital; Scoliosis, congenital with unilateral unsegmented bar. Identifiers: Orphanet 3275, MedGen C1848934, MONDO:0010094, OMIM 272460.
Larsen syndrome (LRS). Also called: Larsen syndrome (FLNB-LS); Bilateral dislocation of the knees, pes cavus, cylindrically shaped fingers and characteristic facies. Identifiers: Orphanet 503, MedGen C0175778, MONDO:0007875, OMIM 150250. Disease mechanism: loss of function.
Connective tissue disorder. Also called: Connective tissue disease. Identifiers: MedGen C0009782, MONDO:0003900.
FLNB-Related Spectrum Disorders.

Allele frequency attached by ClinVar (database versions not stated): gnomAD exomes 0.00161 and 0.00427; ExAC 0.00532; 1000 Genomes Project 0.01538; 1000 Genomes Project 30x 0.01624; gnomAD 0.01664 and 0.01775; TOPMed 0.01908; ESP Exome Variant Server 0.01930.
gnomAD v4.1: 5,019 of 1,613,484 alleles (0.31%); highest among the groups gnomAD compares: African/African-American, 5.9%; 159 homozygotes.

Submissions (8):

Labcorp Genetics (formerly Invitae), Labcorp
Classification: Benign. Last evaluated: 2026-02-02. Review status: criteria provided, single submitter. Criteria: Invitae Variant Classification Sherloc (09022015). Collection method: clinical testing. Allele origin: germline.

ARUP Laboratories, Molecular Genetics and Genomics, ARUP Laboratories
Classification: Benign. Last evaluated: 2025-06-11. Review status: criteria provided, single submitter. Criteria: ARUP Molecular Germline Variant Investigation Process 2024. Collection method: clinical testing. Allele origin: germline.

Fulgent Genetics
Classification: Likely benign for Atelosteogenesis type I; Atelosteogenesis type III; Boomerang dysplasia; Larsen syndrome; Spondylocarpotarsal synostosis syndrome. Last evaluated: 2021-10-13. Review status: criteria provided, single submitter. Criteria: ACMG Guidelines, 2015. Collection method: clinical testing. Allele origin: unknown.

Genome Diagnostics Laboratory, The Hospital for Sick Children
Classification: Benign for Connective tissue disorder. Last evaluated: 2020-01-01. Review status: criteria provided, single submitter. Criteria: ACMG Guidelines, 2015. Collection method: clinical testing. Allele origin: germline.

Illumina Laboratory Services, Illumina
Classification: Benign for FLNB-Related Spectrum Disorders. Last evaluated: 2018-01-12. Review status: criteria provided, single submitter. Criteria: ICSL Variant Classification Criteria 13 December 2019. Collection method: clinical testing. Allele origin: germline.
Comment: This variant was observed in the ICSL laboratory as part of a predisposition screen in an ostensibly healthy population. It had not been previously curated by ICSL or reported in the Human Gene Mutation Database (HGMD: prior to June 1st, 2018), and was therefore a candidate for classification through an automated scoring system. Utilizing variant allele frequency, disease prevalence and penetrance estimates, and inheritance mode, an automated score was calculated to assess if this variant is too frequent to cause the disease. Based on the score and internal cut-off values, a variant classified as benign is not then subjected to further curation. The score for this variant resulted in a classification of benign for this disease.

GeneDx
Classification: Benign. Last evaluated: 2016-06-06. Review status: criteria provided, single submitter. Criteria: GeneDx Variant Classification (06012015). Collection method: clinical testing. Allele origin: germline. Affected: yes.
Comment: This variant is considered likely benign or benign based on one or more of the following criteria: it is a conservative change, it occurs at a poorly conserved position in the protein, it is predicted to be benign by multiple in silico algorithms, and/or has population frequency not consistent with disease.

Breakthrough Genomics
Classification: Benign. Review status: criteria provided, single submitter. Criteria: ACMG Guidelines, 2015. Collection method: not provided. Allele origin: germline. Inheritance: Autosomal recessive inheritance. Affected: yes.

PreventionGenetics, part of Exact Sciences
Classification: Benign. Review status: criteria provided, single submitter. Criteria: ACMG Guidelines, 2015. Collection method: clinical testing. Allele origin: germline.

NM_001457.4(FLNB):c.292+8C>A

Gene: FLNB (filamin B; plus strand). Cytogenetic location: 3p14.3.
Variant type: single nucleotide variant.
Coding change: c.292+8C>A on transcript NM_001457.4 (MANE Select); 8 bases into the intron after coding-DNA position 292, C replaced by A.
Molecular consequence: intron variant.
Genome position (GRCh38, 1-based): chr3:58,008,864, C>A. VCF-style: chr3-58008864-C-A. GRCh37 (hg19) VCF-style: chr3-57994591-C-A.
Other names: c.292+8C>A (NM_001164317.2, NM_001164318.2, NM_001164319.2).
Identifiers: ClinVar variation 258103 (VCV000258103.33), dbSNP rs9831243, ClinGen allele CA2467486.